The following is an entry in ClinVar:

ClinVar aggregate classification (germline): Uncertain significance (1 of 4 stars; one submission).

Submission:

Labcorp Genetics (formerly Invitae), Labcorp
Classification: Uncertain significance. Last evaluated: 2024-04-29. Review status: criteria provided, single submitter. Criteria: Invitae Variant Classification Sherloc (09022015). Collection method: clinical testing. Allele origin: germline.
Comment: This sequence change falls in intron 1 of the MMP9 gene. It does not directly change the encoded amino acid sequence of the MMP9 protein. It affects a nucleotide within the consensus splice site. This variant is not present in population databases (gnomAD no frequency). This variant has not been reported in the literature in individuals affected with MMP9-related conditions. ClinVar contains an entry for this variant (Variation ID: 2029927). Variants that disrupt the consensus splice site are a relatively common cause of aberrant splicing (PMID: 17576681, 9536098). Algorithms developed to predict the effect of sequence changes on RNA splicing suggest that this variant is not likely to affect RNA splicing. In summary, the available evidence is currently insufficient to determine the role of this variant in disease. Therefore, it has been classified as a Variant of Uncertain Significance.

Literature cited by the submitters: PubMed 17576681; PubMed 9536098.

NM_004994.3(MMP9):c.139-3C>T

Gene: MMP9 (matrix metallopeptidase 9; plus strand). Cytogenetic location: 20q13.12.
Variant type: single nucleotide variant.
Coding change: c.139-3C>T on transcript NM_004994.3 (MANE Select); 3 bases into the intron before coding-DNA position 139, C replaced by T.
Molecular consequence: intron variant.
Genome position (GRCh38, 1-based): chr20:46,009,863, C>T. VCF-style: chr20-46009863-C-T. GRCh37 (hg19) VCF-style: chr20-44638502-C-T.
Identifiers: ClinVar variation 2029927 (VCV002029927.4), dbSNP rs2515610911, ClinGen allele CA2580098224.